The following is an entry in ClinVar:

NM_198252.3(GSN):c.-9-1981C>T

Gene: GSN (gelsolin; plus strand). Cytogenetic location: 9q33.2.
Variant type: single nucleotide variant.
Coding change: c.-9-1981C>T on transcript NM_198252.3 (MANE Select); 1981 bases into the intron before 9 bases upstream of the start codon, C replaced by T.
Molecular consequence: intron variant. On other transcripts: nonsense (1).
Genome position (GRCh38, 1-based): chr9:121,299,982, C>T. VCF-style: chr9-121299982-C-T. GRCh37 (hg19) VCF-style: chr9-124062260-C-T.
Other names: c.121C>T, p.Gln41Ter (NM_000177.5); c.-9-1981C>T (NM_001353054.1, NM_001353053.1, NM_001353060.2 and 5 more transcripts); c.-47-74C>T (NM_001353064.2, NM_001353066.2, NM_001353072.2 and 8 more transcripts); c.-1-1989C>T (NM_001353058.2, NM_001353059.2, NM_001353056.2 and 1 more transcripts); c.-38-83C>T (NM_001353073.2, NM_001353065.2, NM_001353068.2 and 2 more transcripts); c.100-1981C>T (NM_001127663.2); c.-32-89C>T (NM_001353070.2); c.-48-1942C>T (NM_001353055.2); and 3 more; short protein forms Q41*.
Identifiers: ClinVar variation 3596386 (VCV003596386.3).

ClinVar aggregate classification (germline): Uncertain significance. Review status: criteria provided, multiple submitters, no conflicts (2 of 4 stars). 2 submissions from 2 submitters: Uncertain significance (2). Last evaluated 2024-04-10.

Conditions:
Finnish type amyloidosis. Also called: AMYLOID CRANIAL NEUROPATHY WITH LATTICE CORNEAL DYSTROPHY; AMYLOIDOSIS DUE TO MUTANT GELSOLIN; Lattice corneal dystrophy associated with familial systemic amyloidosis; Meretoja's syndrome; Lattice dystrophy of the cornea with hereditary generalized amyloidosis; Amyloidosis, familial, Finnish type. Identifiers: Orphanet 85448, MedGen C1622345, MONDO:0007097, OMIM 105120.

gnomAD v4.1: 13 of 1,402,344 alleles (0.00093%); highest among the groups gnomAD compares: African/African-American, 0.016%; no homozygotes.

Submissions (2):

Fulgent Genetics
Classification: Uncertain significance for Finnish type amyloidosis. Last evaluated: 2024-04-10. Review status: criteria provided, single submitter. Criteria: ACMG Guidelines, 2015. Collection method: clinical testing. Allele origin: germline.

Labcorp Genetics (formerly Invitae), Labcorp
Classification: Uncertain significance. Last evaluated: 2024-03-02. Review status: criteria provided, single submitter. Criteria: Invitae Variant Classification Sherloc (09022015). Collection method: clinical testing. Allele origin: germline.
Comment: This sequence change creates a premature translational stop signal (p.Gln41*) in the GSN gene. It is expected to result in an absent or disrupted protein product. However, the current clinical and genetic evidence is not sufficient to establish whether loss-of-function variants in GSN cause disease. This variant is present in population databases (rs749989175, gnomAD 0.007%). This variant has not been reported in the literature in individuals affected with GSN-related conditions. In summary, the available evidence is currently insufficient to determine the role of this variant in disease. Therefore, it has been classified as a Variant of Uncertain Significance.